The following is an entry in ClinVar:

ClinVar aggregate classification (germline): Uncertain significance. Review status: criteria provided, multiple submitters, no conflicts (2 of 4 stars). 2 submissions from 2 submitters: Uncertain significance (2). Last evaluated 2025-05-26.

Conditions:
Inborn genetic diseases. Identifiers: MedGen C0950123, MeSH D030342.

gnomAD v4.1: 4 of 1,555,040 alleles (0.00026%); highest among the groups gnomAD compares: South Asian, 0.0012%; no homozygotes.

Submissions (2):

Ambry Genetics
Classification: Uncertain significance for Inborn genetic diseases. Last evaluated: 2025-05-26. Review status: criteria provided, single submitter. Criteria: Ambry Variant Classification Scheme 2023. Collection method: clinical testing. Allele origin: germline.

Labcorp Genetics (formerly Invitae), Labcorp
Classification: Uncertain significance. Last evaluated: 2024-08-21. Review status: criteria provided, single submitter. Criteria: Invitae Variant Classification Sherloc (09022015). Collection method: clinical testing. Allele origin: germline.
Comment: This sequence change replaces threonine, which is neutral and polar, with methionine, which is neutral and non-polar, at codon 3399 of the HSPG2 protein (p.Thr3399Met). This variant is not present in population databases (gnomAD no frequency). This variant has not been reported in the literature in individuals affected with HSPG2-related conditions. An algorithm developed to predict the effect of missense changes on protein structure and function (PolyPhen-2) suggests that this variant is likely to be tolerated. In summary, the available evidence is currently insufficient to determine the role of this variant in disease. Therefore, it has been classified as a Variant of Uncertain Significance.

NM_005529.7(HSPG2):c.10196C>T (p.Thr3399Met)

Gene: HSPG2 (heparan sulfate proteoglycan 2; minus strand). Cytogenetic location: 1p36.12.
Variant type: single nucleotide variant.
Coding change: c.10196C>T on transcript NM_005529.7 (MANE Select); coding-DNA position 10196, C replaced by T.
Protein change: p.Thr3399Met; replaces threonine 3399 with methionine.
Molecular consequence: missense variant.
Genome position (GRCh38, 1-based): chr1:21,836,961, G>A on the plus strand (C>T on the coding strand, the complement: HSPG2 is on the minus strand). VCF-style: chr1-21836961-G-A. GRCh37 (hg19) VCF-style: chr1-22163454-G-A.
Other names: c.10196C>T (NM_005529.5); c.10199C>T, p.Thr3400Met (NM_001291860.2); short protein forms T3399M, T3400M.
Identifiers: ClinVar variation 3610840 (VCV003610840.3).